The following is an entry in ClinVar:

ClinVar aggregate classification (germline): Uncertain significance (1 of 4 stars; one submission).

Conditions:
Brugada syndrome. Also called: Sudden Unexplained Death Syndrome; Sudden unexpected nocturnal death syndrome; Sudden Unexplained Nocturnal Death Syndrome (SUNDS); Sudden unexplained nocturnal death syndrome. Identifiers: Orphanet 130, MedGen C1142166, MONDO:0015263.

gnomAD v4.1: 7 of 1,614,000 alleles (0.00043%); no homozygotes.

Submission:

Labcorp Genetics (formerly Invitae), Labcorp
Classification: Uncertain significance for Brugada syndrome. Last evaluated: 2025-11-02. Review status: criteria provided, single submitter. Criteria: Invitae Variant Classification Sherloc (09022015). Collection method: clinical testing. Allele origin: germline.
Comment: This sequence change replaces isoleucine, which is neutral and non-polar, with methionine, which is neutral and non-polar, at codon 144 of the GPD1L protein (p.Ile144Met). This variant is present in population databases (rs772261433, gnomAD 0.02%). This variant has not been reported in the literature in individuals affected with GPD1L-related conditions. Invitae Evidence Modeling of protein sequence and biophysical properties (such as structural, functional, and spatial information, amino acid conservation, physicochemical variation, residue mobility, and thermodynamic stability) indicates that this missense variant is not expected to disrupt GPD1L protein function with a negative predictive value of 80%. In summary, the available evidence is currently insufficient to determine the role of this variant in disease. Therefore, it has been classified as a Variant of Uncertain Significance.

NM_015141.4(GPD1L):c.432T>G (p.Ile144Met)

Gene: GPD1L (glycerol-3-phosphate dehydrogenase 1 like; plus strand). Cytogenetic location: 3p22.3.
Variant type: single nucleotide variant.
Coding change: c.432T>G on transcript NM_015141.4 (MANE Select); coding-DNA position 432, T replaced by G.
Protein change: p.Ile144Met; replaces isoleucine 144 with methionine.
Molecular consequence: missense variant.
Genome position (GRCh38, 1-based): chr3:32,140,293, T>G. VCF-style: chr3-32140293-T-G. GRCh37 (hg19) VCF-style: chr3-32181785-T-G.
Other names: short protein forms I144M.
Identifiers: ClinVar variation 4745807 (VCV004745807.1).
Genomic context (GRCh38, chr3:32,140,293, plus strand): 5'-AGACGAGGGCCCCGAGGGGCTGAAGCTCATTTCTGACATCATCCGTGAGAAGATGGGTAT[T>G]GACATCAGTGTGCTGATGGGAGCCAACATTGCCAATGAGGTGGCTGCAGAGAAGTTCTGT-3'
Protein context (NP_055956.1, residues 134-154): ISDIIREKMG[Ile144Met]DISVLMGANI